The following is an entry in ClinVar:

ClinVar aggregate classification (germline): Likely benign (0 of 4 stars; one submission).

Conditions:
PLXNA4-related disorder. Also called: PLXNA4-related condition.

gnomAD v4.1: 1 of 1,614,202 alleles (0.000062%); highest among the groups gnomAD compares: Admixed American, 0.0017%; no homozygotes.

Submission:

PreventionGenetics, part of Exact Sciences
Classification: Likely benign for PLXNA4-related condition. Last evaluated: 2023-12-01. Review status: no assertion criteria provided. Collection method: clinical testing. Allele origin: germline.
Comment: This variant is classified as likely benign based on ACMG/AMP sequence variant interpretation guidelines (Richards et al. 2015 PMID: 25741868, with internal and published modifications).

NM_020911.2(PLXNA4):c.1371+4317G>A

Gene: PLXNA4 (plexin A4; minus strand). Cytogenetic location: 7q32.3.
Variant type: single nucleotide variant.
Coding change: c.1371+4317G>A on transcript NM_020911.2 (MANE Select); 4317 bases into the intron after coding-DNA position 1371, G replaced by A.
Molecular consequence: intron variant. On other transcripts: synonymous variant (1).
Genome position (GRCh38, 1-based): chr7:132,484,975, C>T on the plus strand (G>A on the coding strand, the complement: PLXNA4 is on the minus strand). VCF-style: chr7-132484975-C-T. GRCh37 (hg19) VCF-style: chr7-132169734-C-T.
Other names: c.1410G>A, p.Glu470= (NM_181775.4); c.1371+4317G>A (NM_001393897.1, NM_001105543.2).
Identifiers: ClinVar variation 3348352 (VCV003348352.1).